The following is an entry in ClinVar:

ClinVar aggregate classification (germline): Likely pathogenic (1 of 4 stars; one submission).

Conditions:
RET-related disorder. Also called: RET-related condition; RET-related disease; RET-related disorders.

Submission:

PreventionGenetics, part of Exact Sciences
Classification: Likely pathogenic for RET-related condition. Last evaluated: 2023-01-26. Review status: criteria provided, single submitter. Criteria: ACMG Guidelines, 2015. Collection method: clinical testing. Allele origin: germline.
Comment: The RET c.2578_2579delCA variant is predicted to result in a frameshift and premature protein termination (p.Gln860Glyfs*24). To our knowledge, this variant has not been reported in the literature or in a large population database, indicating this variant is rare. Frameshift variants in RET are expected to be pathogenic. This variant is interpreted as likely pathogenic.

NM_020975.6(RET):c.2578_2579del (p.Gln860fs)

Gene: RET (ret proto-oncogene; plus strand). Cytogenetic location: 10q11.21.
Variant type: Microsatellite.
Coding change: c.2578_2579del on transcript NM_020975.6 (MANE Select); coding-DNA positions 2578 to 2579, 2 bases deleted (CA; older notation c.2578_2579delCA).
Protein change: p.Gln860fs; shifts the reading frame from glutamine 860.
Molecular consequence: frameshift variant.
Genome position (GRCh38, 1-based): chr10:43,119,716-43,119,717, CA deleted; deleting any 2 consecutive bases within chr10:43,119,714-43,119,717 gives the same sequence; the c. name uses the placement nearest the transcript's 3' end. VCF-style (leftmost placement, unchanged base first): chr10-43119713-TCA-T. GRCh37 (hg19) VCF-style: chr10-43615161-TCA-T.
Other names: c.2576_2577CA[1], p.Gln860Glyfs (NM_000323.2, NM_020629.2, NM_020975.4); c.1816_1817del, p.Gln606fs (NM_001355216.2); c.2578_2579del, p.Gln860fs (NM_001406743.1, NM_001406744.1, NM_001406759.1 and 2 more transcripts); c.2449_2450del, p.Gln817fs (NM_001406761.1, NM_001406762.1, NM_001406764.1); c.2443_2444del, p.Gln815fs (NM_001406763.1, NM_001406765.1); c.2290_2291del, p.Gln764fs (NM_001406766.1, NM_001406767.1, NM_001406770.1); c.2314_2315del, p.Gln772fs (NM_001406768.1); c.2182_2183del, p.Gln728fs (NM_001406769.1, NM_001406772.1); and 12 more; short protein forms Q377fs, Q425fs, Q465fs, Q516fs, Q518fs, Q521fs, Q530fs, Q561fs.
Identifiers: ClinVar variation 2630315 (VCV002630315.1), dbSNP rs2538569005, ClinGen allele CA2695199466.